The following is an entry in ClinVar:

ClinVar aggregate classification (germline): Conflicting classifications of pathogenicity. Review status: criteria provided, conflicting classifications (1 of 4 stars). 3 submissions from 3 submitters: Uncertain significance (1); Likely benign (2). Last evaluated 2025-04-15.

Conditions:
Inborn genetic diseases. Identifiers: MedGen C0950123, MeSH D030342.

Allele frequency attached by ClinVar (database versions not stated): gnomAD exomes 0.00003 and 0.00010; gnomAD 0.00013 and 0.00014; ExAC 0.00015; TOPMed 0.00016; ESP Exome Variant Server 0.00048.
gnomAD v4.1: 62 of 1,609,418 alleles (0.0039%); highest among the groups gnomAD compares: African/African-American, 0.039%; no homozygotes.

Submissions (3):

Ambry Genetics
Classification: Likely benign for Inborn genetic diseases. Last evaluated: 2025-04-15. Review status: criteria provided, single submitter. Criteria: Ambry Variant Classification Scheme 2023. Collection method: clinical testing. Allele origin: germline.

Blueprint Genetics
Classification: Likely benign. Last evaluated: 2024-11-25. Review status: criteria provided, single submitter. Criteria: ACMG Guidelines, 2015. Collection method: clinical testing. Allele origin: germline.

Labcorp Genetics (formerly Invitae), Labcorp
Classification: Uncertain significance. Last evaluated: 2022-08-23. Review status: criteria provided, single submitter. Criteria: Invitae Variant Classification Sherloc (09022015). Collection method: clinical testing. Allele origin: germline.
Comment: In summary, the available evidence is currently insufficient to determine the role of this variant in disease. Therefore, it has been classified as a Variant of Uncertain Significance. Algorithms developed to predict the effect of missense changes on protein structure and function output the following: SIFT: "Tolerated"; PolyPhen-2: "Benign"; Align-GVGD: "Class C0". The valine amino acid residue is found in multiple mammalian species, which suggests that this missense change does not adversely affect protein function. ClinVar contains an entry for this variant (Variation ID: 967447). This variant has not been reported in the literature in individuals affected with KIAA1549-related conditions. This variant is present in population databases (rs199729909, gnomAD 0.04%). This sequence change replaces alanine, which is neutral and non-polar, with valine, which is neutral and non-polar, at codon 532 of the KIAA1549 protein (p.Ala532Val).

NM_001164665.2(KIAA1549):c.1595C>T (p.Ala532Val)

Gene: KIAA1549 (KIAA1549; minus strand). Cytogenetic location: 7q34.
Variant type: single nucleotide variant.
Coding change: c.1595C>T on transcript NM_001164665.2 (MANE Select); coding-DNA position 1595, C replaced by T.
Protein change: p.Ala532Val; replaces alanine 532 with valine.
Molecular consequence: missense variant.
Genome position (GRCh38, 1-based): chr7:138,918,031, G>A on the plus strand (C>T on the coding strand, the complement: KIAA1549 is on the minus strand). VCF-style: chr7-138918031-G-A. GRCh37 (hg19) VCF-style: chr7-138602777-G-A.
Other names: c.1595C>T, p.Ala532Val (NM_020910.3); short protein forms A532V.
Identifiers: ClinVar variation 967447 (VCV000967447.7), dbSNP rs199729909, ClinGen allele CA4506675.